The following is an entry in ClinVar:

NM_000291.4(PGK1):c.409G>T (p.Gly137Trp)

Gene: PGK1 (phosphoglycerate kinase 1; plus strand). Cytogenetic location: Xq21.1.
Variant type: single nucleotide variant.
Coding change: c.409G>T on transcript NM_000291.4 (MANE Select); coding-DNA position 409, G replaced by T.
Protein change: p.Gly137Trp; replaces glycine 137 with tryptophan.
Molecular consequence: missense variant.
Genome position (GRCh38, 1-based): chrX:78,114,152, G>T. VCF-style: chrX-78114152-G-T. GRCh37 (hg19) VCF-style: chrX-77369649-G-T.
Other names: short protein forms G137W.
Identifiers: ClinVar variation 3598446 (VCV003598446.3).

ClinVar aggregate classification (germline): Conflicting classifications of pathogenicity. Review status: criteria provided, conflicting classifications (1 of 4 stars). 3 submissions from 3 submitters: Uncertain significance (1); Likely benign (2). Last evaluated 2026-02-21.

Conditions:
Glycogen storage disease due to phosphoglycerate kinase 1 deficiency. Also called: PGK1 DEFICIENCY; PHOSPHOGLYCERATE KINASE 1 DEFICIENCY WITH LEVO-DOPA-RESPONSIVE PARKINSONISM. Identifiers: Orphanet 713, MedGen C1970848, MONDO:0010392, OMIM 300653.

gnomAD v4.1: 15 of 1,210,489 alleles (0.0012%); highest among the groups gnomAD compares: South Asian, 0.026%; no homozygotes.

Submissions (3):

Centre for Medical Genetics,  Mumbai
Classification: Likely benign for Glycogen storage disease due to phosphoglycerate kinase 1 deficiency. Last evaluated: 2026-02-21. Review status: criteria provided, single submitter. Criteria: ACMG Guidelines, 2015. Collection method: provider interpretation. Allele origin: germline. Inheritance: X-linked recessive inheritance. Affected: no. Observed: 1 homozygote.
Comment: The variant satisfies PM2 criteria; Extremely low frequency in gnomAD population databases. The variant satisfies BS2 criteria; Variant was observed in a homozygous state in population databases more than expected for disease. The variant satisfies PP3 criteria; For a missense or a splicing region variant, computational prediction tools unanimously support a deleterious effect on the gene. However, the variant satisfies BS2 criteria.

Fulgent Genetics
Classification: Likely benign for Glycogen storage disease due to phosphoglycerate kinase 1 deficiency. Last evaluated: 2024-06-17. Review status: criteria provided, single submitter. Criteria: ACMG Guidelines, 2015. Collection method: clinical testing. Allele origin: germline.

Revvity Omics, Revvity
Classification: Uncertain significance for Glycogen storage disease due to phosphoglycerate kinase 1 deficiency. Last evaluated: 2024-02-13. Review status: criteria provided, single submitter. Criteria: ACMG Guidelines, 2015. Collection method: clinical testing. Allele origin: germline.

Literature cited by the submitters: PubMed 1547346 (cited by Centre for Medical Genetics,  Mumbai).